The following is an entry in ClinVar:

NM_015295.3(SMCHD1):c.4966+3A>G

Gene: SMCHD1 (structural maintenance of chromosomes flexible hinge domain containing 1; plus strand). Cytogenetic location: 18p11.32.
Variant type: single nucleotide variant.
Coding change: c.4966+3A>G on transcript NM_015295.3 (MANE Select); 3 bases into the intron after coding-DNA position 4966, A replaced by G.
Molecular consequence: intron variant.
Genome position (GRCh38, 1-based): chr18:2,770,111, A>G. VCF-style: chr18-2770111-A-G. GRCh37 (hg19) VCF-style: chr18-2770109-A-G.
Other names: c.4966+3A>G (NM_015295.2).
Identifiers: ClinVar variation 2750602 (VCV002750602.4), dbSNP rs754508977, ClinGen allele CA8871614.

ClinVar aggregate classification (germline): Uncertain significance. Review status: criteria provided, multiple submitters, no conflicts (2 of 4 stars). 2 submissions from 2 submitters: Uncertain significance (2). Last evaluated 2025-10-18.

Conditions:
Facioscapulohumeral muscular dystrophy 2 (FSHD2). Also called: MUSCULAR DYSTROPHY, FACIOSCAPULOHUMERAL, TYPE 1B; FACIOSCAPULOHUMERAL MUSCULAR DYSTROPHY 2, DIGENIC; FSHD2, DIGENIC. Identifiers: Orphanet 269, MedGen C1834671, MONDO:0008031, OMIM 158901.

Allele frequency attached by ClinVar (database versions not stated): gnomAD exomes below 0.00001; ExAC 0.00001; gnomAD 0.00001.
gnomAD v4.1: 9 of 1,599,830 alleles (0.00056%); highest among the groups gnomAD compares: Admixed American, 0.0018%; no homozygotes.

Submissions (2):

Labcorp Genetics (formerly Invitae), Labcorp
Classification: Uncertain significance for Facioscapulohumeral muscular dystrophy 2. Last evaluated: 2025-10-18. Review status: criteria provided, single submitter. Criteria: Invitae Variant Classification Sherloc (09022015). Collection method: clinical testing. Allele origin: germline.
Comment: This sequence change falls in intron 39 of the SMCHD1 gene. It does not directly change the encoded amino acid sequence of the SMCHD1 protein. It affects a nucleotide within the consensus splice site. This variant is present in population databases (rs754508977, gnomAD 0.01%). This variant has not been reported in the literature in individuals affected with SMCHD1-related conditions. ClinVar contains an entry for this variant (Variation ID: 2750602). Variants that disrupt the consensus splice site are a relatively common cause of aberrant splicing (PMID: 17576681, 9536098). Algorithms developed to predict the effect of sequence changes on RNA splicing suggest that this variant is not likely to affect RNA splicing. In summary, the available evidence is currently insufficient to determine the role of this variant in disease. Therefore, it has been classified as a Variant of Uncertain Significance.

Revvity Omics, Revvity
Classification: Uncertain significance. Last evaluated: 2024-02-13. Review status: criteria provided, single submitter. Criteria: ACMG Guidelines, 2015. Collection method: clinical testing. Allele origin: germline.

Literature cited by the submitters: PubMed 17576681 (cited by Labcorp Genetics (formerly Invitae), Labcorp); PubMed 9536098 (cited by Labcorp Genetics (formerly Invitae), Labcorp).